The following is an entry in ClinVar:

ClinVar aggregate classification (germline): Conflicting classifications of pathogenicity. Review status: criteria provided, conflicting classifications (1 of 4 stars). 2 submissions from 2 submitters: Uncertain significance (1); Benign (1). Last evaluated 2025-12-01.

Conditions:
Tuberous sclerosis 2 (TSC2). Identifiers: Orphanet 805, MedGen C1860707, MONDO:0013199, OMIM 613254.
Hereditary cancer-predisposing syndrome. Also called: Neoplastic Syndromes, Hereditary; Tumor predisposition; Hereditary Cancer Syndrome; Hereditary neoplastic syndrome. Identifiers: Orphanet 140162, MedGen C0027672, MeSH D009386, MONDO:0015356.

Allele frequency attached by ClinVar (database versions not stated): gnomAD exomes below 0.00001 and 0.00001; gnomAD 0.00001; 1000 Genomes Project 30x 0.00016; 1000 Genomes Project 0.00020.
gnomAD v4.1: 6 of 1,609,080 alleles (0.00037%); highest among the groups gnomAD compares: South Asian, 0.0066%; no homozygotes.

Submissions (2):

Labcorp Genetics (formerly Invitae), Labcorp
Classification: Benign for Tuberous sclerosis 2. Last evaluated: 2025-12-01. Review status: criteria provided, single submitter. Criteria: Invitae Variant Classification Sherloc (09022015). Collection method: clinical testing. Allele origin: germline.

Ambry Genetics
Classification: Uncertain significance for Hereditary cancer-predisposing syndrome. Last evaluated: 2025-01-16. Review status: criteria provided, single submitter. Criteria: Ambry Variant Classification Scheme 2023. Collection method: clinical testing. Allele origin: germline.
Comment: The p.P1444L variant (also known as c.4331C>T), located in coding exon 33 of the TSC2 gene, results from a C to T substitution at nucleotide position 4331. The proline at codon 1444 is replaced by leucine, an amino acid with similar properties. This amino acid position is not well conserved in available vertebrate species. In addition, the in silico prediction for this alteration is inconclusive. Based on the available evidence, the clinical significance of this variant remains unclear.

NM_000548.5(TSC2):c.4331C>T (p.Pro1444Leu)

Gene: TSC2 (TSC complex subunit 2; plus strand). Cytogenetic location: 16p13.3.
Variant type: single nucleotide variant.
Coding change: c.4331C>T on transcript NM_000548.5 (MANE Select); coding-DNA position 4331, C replaced by T.
Protein change: p.Pro1444Leu; replaces proline 1444 with leucine.
Molecular consequence: missense variant.
Genome position (GRCh38, 1-based): chr16:2,084,553, C>T. VCF-style: chr16-2084553-C-T. GRCh37 (hg19) VCF-style: chr16-2134554-C-T.
Other names: c.4130C>T, p.Pro1377Leu (NM_001077183.3); c.4262C>T, p.Pro1421Leu (NM_001114382.3); c.4022C>T, p.Pro1341Leu (NM_001318827.2); c.3986C>T, p.Pro1329Leu (NM_001318829.2); c.3599C>T, p.Pro1200Leu (NM_001318831.2); c.4163C>T, p.Pro1388Leu (NM_001318832.2); c.4133C>T, p.Pro1378Leu (NM_001363528.2); c.4199C>T, p.Pro1400Leu (NM_001370404.1); and 1 more; short protein forms P1444L, P1400L, P1329L, P1341L, P1401L, P1378L, P1200L, P1377L.
Identifiers: ClinVar variation 567263 (VCV000567263.11), dbSNP rs550084361, ClinGen allele CA276753419.